The following is an entry in ClinVar:

ClinVar aggregate classification (germline): Uncertain significance (1 of 4 stars; one submission).

Conditions:
Neuromuscular disease caused by qualitative or quantitative defects of dysferlin. Also called: Dysferlinopathy; Qualitative or quantitative defects of dysferlin. Identifiers: Orphanet 207073, MedGen C2931687, MONDO:0016145.

Submission:

Labcorp Genetics (formerly Invitae), Labcorp
Classification: Uncertain significance for Neuromuscular disease caused by qualitative or quantitative defects of dysferlin. Last evaluated: 2020-10-08. Review status: criteria provided, single submitter. Criteria: Invitae Variant Classification Sherloc (09022015). Collection method: clinical testing. Allele origin: germline.
Comment: In summary, the available evidence is currently insufficient to determine the role of this variant in disease. Therefore, it has been classified as a Variant of Uncertain Significance. Advanced modeling of protein sequence and biophysical properties (such as structural, functional, and spatial information, amino acid conservation, physicochemical variation, residue mobility, and thermodynamic stability) performed at Invitae indicates that this missense variant is expected to disrupt DYSF protein function. This variant has not been reported in the literature in individuals with DYSF-related conditions. This variant is not present in population databases (ExAC no frequency). This sequence change replaces lysine with methionine at codon 1032 of the DYSF protein (p.Lys1032Met). The lysine residue is moderately conserved and there is a moderate physicochemical difference between lysine and methionine.

NM_001130987.2(DYSF):c.3149A>T (p.Lys1050Met)

Gene: DYSF (dysferlin; plus strand). Cytogenetic location: 2p13.2.
Variant type: single nucleotide variant.
Coding change: c.3149A>T on transcript NM_001130987.2 (MANE Select); coding-DNA position 3149, A replaced by T.
Protein change: p.Lys1050Met; replaces lysine 1050 with methionine.
Molecular consequence: missense variant.
Genome position (GRCh38, 1-based): chr2:71,570,662, A>T. VCF-style: chr2-71570662-A-T. GRCh37 (hg19) VCF-style: chr2-71797792-A-T.
Other names: c.3098A>T, p.Lys1033Met (NM_001130455.2, NM_001130983.2); c.3053A>T, p.Lys1018Met (NM_001130976.2, NM_001130977.2); c.3095A>T, p.Lys1032Met (NM_001130978.2, NM_003494.4); c.3188A>T, p.Lys1063Met (NM_001130979.2); c.3146A>T, p.Lys1049Met (NM_001130980.2, NM_001130981.2); c.3191A>T, p.Lys1064Met (NM_001130982.2); c.3056A>T, p.Lys1019Met (NM_001130984.2, NM_001130986.2); c.3149A>T, p.Lys1050Met (NM_001130985.2); short protein forms K1018M, K1050M, K1033M, K1049M, K1063M, K1019M, K1032M, K1064M.
Identifiers: ClinVar variation 1040881 (VCV001040881.8), dbSNP rs1338389103, ClinGen allele CA347217022.
Genomic context (GRCh38, chr2:71,570,662, plus strand): 5'-GGGAGTATAGCATCACCATCCCCCCGGAGCGGAAGCCGAAGCACTGGGTCCCTGCTGAGA[A>T]GATGTACTACACACACCGACGGCGGCGCTGGGTGCGCCTGCGCAGGAGGGATCTCAGCCA-3'
Protein context (NP_001124459.1, residues 1040-1060): RKPKHWVPAE[Lys1050Met]MYYTHRRRRW